The following is an entry in ClinVar:

NM_033109.5(PNPT1):c.1084C>T (p.Arg362Trp)

Gene: PNPT1 (polyribonucleotide nucleotidyltransferase 1; minus strand). Cytogenetic location: 2p16.1.
Variant type: single nucleotide variant.
Coding change: c.1084C>T on transcript NM_033109.5 (MANE Select); coding-DNA position 1084, C replaced by T.
Protein change: p.Arg362Trp; replaces arginine 362 with tryptophan.
Molecular consequence: missense variant.
Genome position (GRCh38, 1-based): chr2:55,667,083, G>A on the plus strand (C>T on the coding strand, the complement: PNPT1 is on the minus strand). VCF-style: chr2-55667083-G-A. GRCh37 (hg19) VCF-style: chr2-55894218-G-A.
Other names: c.1084C>T (NM_033109.4); short protein forms R362W.
Identifiers: ClinVar variation 1469264 (VCV001469264.9), dbSNP rs151216278, ClinGen allele CA1668223.

ClinVar aggregate classification (germline): Uncertain significance. Review status: criteria provided, multiple submitters, no conflicts (2 of 4 stars). 2 submissions from 2 submitters: Uncertain significance (2). Last evaluated 2023-07-31.

Allele frequency attached by ClinVar (database versions not stated): gnomAD exomes 0.00001; ExAC 0.00002; ESP Exome Variant Server 0.00008.
gnomAD v4.1: 15 of 1,610,824 alleles (0.00093%); highest among the groups gnomAD compares: Non-Finnish European, 0.0013%; no homozygotes.

Submissions (2):

GeneDx
Classification: Uncertain significance. Last evaluated: 2023-07-31. Review status: criteria provided, single submitter. Criteria: GeneDx Variant Classification Process June 2021. Collection method: clinical testing. Allele origin: germline. Affected: yes.
Comment: Not observed at significant frequency in large population cohorts (gnomAD); In silico analysis supports that this missense variant has a deleterious effect on protein structure/function; Has not been previously published as pathogenic or benign to our knowledge

Labcorp Genetics (formerly Invitae), Labcorp
Classification: Uncertain significance. Last evaluated: 2021-07-09. Review status: criteria provided, single submitter. Criteria: Invitae Variant Classification Sherloc (09022015). Collection method: clinical testing. Allele origin: germline.
Comment: This sequence change replaces arginine with tryptophan at codon 362 of the PNPT1 protein (p.Arg362Trp). The arginine residue is highly conserved and there is a moderate physicochemical difference between arginine and tryptophan. This variant is present in population databases (rs151216278, ExAC 0.003%). This variant has not been reported in the literature in individuals affected with PNPT1-related conditions. Advanced modeling of protein sequence and biophysical properties (such as structural, functional, and spatial information, amino acid conservation, physicochemical variation, residue mobility, and thermodynamic stability) performed at Invitae indicates that this missense variant is expected to disrupt PNPT1 protein function. In summary, the available evidence is currently insufficient to determine the role of this variant in disease. Therefore, it has been classified as a Variant of Uncertain Significance.